The following is an entry in ClinVar:

NM_020632.3(ATP6V0A4):c.1839C>T (p.Leu613=)

Gene: ATP6V0A4 (ATPase H+ transporting V0 subunit a4; minus strand). Cytogenetic location: 7q34.
Variant type: single nucleotide variant.
Coding change: c.1839C>T on transcript NM_020632.3 (MANE Select); coding-DNA position 1839, C replaced by T.
Protein change: p.Leu613=; no amino-acid change (leucine 613 retained).
Molecular consequence: synonymous variant.
Genome position (GRCh38, 1-based): chr7:138,732,946, G>A on the plus strand (C>T on the coding strand, the complement: ATP6V0A4 is on the minus strand). VCF-style: chr7-138732946-G-A. GRCh37 (hg19) VCF-style: chr7-138417691-G-A.
Other names: c.1839C>T (NM_020632.2); c.1839C>T, p.Leu613= (NM_130840.3, NM_130841.3).
Identifiers: ClinVar variation 2198452 (VCV002198452.6), dbSNP rs145939630, ClinGen allele CA4504642.
Genomic context (GRCh38, chr7:138,732,946, plus strand): 5'-GTAGAGGGGTGCGTTGGAAGAGTCACTGTAGTTAAACAGAAACATGTTGATGAAGTGGAT[G>A]AGGATGCTGGGGGCGTGCTGAGATACATGGACGTCAAAGCAGCACCATTTGAAAATGATC-3'
Protein context (NP_065683.2, residues 603-623): VHVSQHAPSI[Leu613=]IHFINMFLFN

ClinVar aggregate classification (germline): Likely benign. Review status: criteria provided, single submitter (1 of 4 stars). 2 submissions from 2 submitters: Likely benign (1). 1 of the submissions does not count toward it. Last evaluated 2025-12-29.

Conditions:
ATP6V0A4-related disorder. Also called: ATP6V0A4-related condition.

Allele frequency attached by ClinVar (database versions not stated): ExAC 0.00007; ESP Exome Variant Server 0.00015; TOPMed 0.00015; 1000 Genomes Project 30x 0.00016; gnomAD 0.00019; gnomAD exomes 0.00019; 1000 Genomes Project 0.00020.
gnomAD v4.1: 312 of 1,613,620 alleles (0.019%); highest among the groups gnomAD compares: Non-Finnish European, 0.025%; no homozygotes.

Submissions (2):

Labcorp Genetics (formerly Invitae), Labcorp
Classification: Likely benign. Last evaluated: 2025-12-29. Review status: criteria provided, single submitter. Criteria: Invitae Variant Classification Sherloc (09022015). Collection method: clinical testing. Allele origin: germline.

PreventionGenetics, part of Exact Sciences
Classification: Likely benign for ATP6V0A4-related condition. Last evaluated: 2019-05-09. Review status: no assertion criteria provided. Collection method: clinical testing. Allele origin: germline. Not counted in ClinVar's aggregate classification.
Comment: This variant is classified as likely benign based on ACMG/AMP sequence variant interpretation guidelines (Richards et al. 2015 PMID: 25741868, with internal and published modifications).